The following is an entry in ClinVar:

ClinVar aggregate classification (germline): Uncertain significance (1 of 4 stars; one submission).

Conditions:
Bardet-Biedl syndrome (BBS). Identifiers: Orphanet 110, MedGen C0752166, MONDO:0015229.

Allele frequency attached by ClinVar (database versions not stated): TOPMed below 0.00001; gnomAD 0.00001; ExAC 0.00003; gnomAD exomes 0.00001 and 0.00002.

Submission:

Labcorp Genetics (formerly Invitae), Labcorp
Classification: Uncertain significance for Bardet-Biedl syndrome. Last evaluated: 2020-05-20. Review status: criteria provided, single submitter. Criteria: Invitae Variant Classification Sherloc (09022015). Collection method: clinical testing. Allele origin: germline.
Comment: In summary, the available evidence is currently insufficient to determine the role of this variant in disease. Therefore, it has been classified as a Variant of Uncertain Significance. Algorithms developed to predict the effect of sequence changes on RNA splicing suggest that this variant is not likely to affect RNA splicing, but this prediction has not been confirmed by published transcriptional studies. This variant has not been reported in the literature in individuals with BBS1-related conditions. This variant is present in population databases (rs200255383, ExAC 0.006%). This sequence change affects codon 16 of the BBS1 mRNA. It is a 'silent' change, meaning that it does not change the encoded amino acid sequence of the BBS1 protein.

NM_024649.5(BBS1):c.48C>T (p.Ser16=)

Gene: BBS1 (Bardet-Biedl syndrome 1; plus strand). Cytogenetic location: 11q13.2.
Variant type: single nucleotide variant.
Coding change: c.48C>T on transcript NM_024649.5 (MANE Select); coding-DNA position 48, C replaced by T.
Protein change: p.Ser16=; no amino-acid change (serine 16 retained).
Molecular consequence: synonymous variant.
Genome position (GRCh38, 1-based): chr11:66,511,013, C>T. VCF-style: chr11-66511013-C-T. GRCh37 (hg19) VCF-style: chr11-66278484-C-T.
Identifiers: ClinVar variation 1024035 (VCV001024035.8), dbSNP rs200255383, ClinGen allele CA6123224.